The following is an entry in ClinVar:

NM_006767.4(LZTR1):c.173C>G (p.Pro58Arg)

Gene: LZTR1 (leucine zipper like transcription regulator 1; plus strand). Cytogenetic location: 22q11.21.
Variant type: single nucleotide variant.
Coding change: c.173C>G on transcript NM_006767.4 (MANE Select); coding-DNA position 173, C replaced by G.
Protein change: p.Pro58Arg; replaces proline 58 with arginine.
Molecular consequence: missense variant.
Genome position (GRCh38, 1-based): chr22:20,982,544, C>G. VCF-style: chr22-20982544-C-G. GRCh37 (hg19) VCF-style: chr22-21336833-C-G.
Other names: short protein forms P58R.
Identifiers: ClinVar variation 429914 (VCV000429914.2), dbSNP rs756416071, ClinGen allele CA410778078.

ClinVar aggregate classification (germline): Uncertain significance (1 of 4 stars; one submission).

Submission:

GeneDx
Classification: Uncertain significance. Last evaluated: 2017-05-15. Review status: criteria provided, single submitter. Criteria: GeneDx Variant Classification (06012015). Collection method: clinical testing. Allele origin: germline. Affected: yes.
Comment: The P58R variant has not been published as a pathogenic variant, nor has it been reported as a benign variant to our knowledge. The P58R variant is not observed in large population cohorts (Lek et al., 2016; 1000 Genomes Consortium et al., 2015; Exome Variant Server). The P58R variant is a non-conservative amino acid substitution, which is likely to impact secondary protein structure as these residues differ in polarity, charge, size and/or other properties. This substitution occurs at a position that is conserved in mammals. In silico analysis predicts this variant is probably damaging to the protein structure/function. In summary, based on the currently available information, it is unclear whether this variant is a pathogenic variant or a rare benign variant.